The following is an entry in ClinVar:

NM_000138.5(FBN1):c.4879G>A (p.Gly1627Arg)

Gene: FBN1 (fibrillin 1; minus strand). Cytogenetic location: 15q21.1.
Variant type: single nucleotide variant.
Coding change: c.4879G>A on transcript NM_000138.5 (MANE Select); coding-DNA position 4879, G replaced by A.
Protein change: p.Gly1627Arg; replaces glycine 1627 with arginine.
Molecular consequence: missense variant.
Genome position (GRCh38, 1-based): chr15:48,465,631, C>T on the plus strand (G>A on the coding strand, the complement: FBN1 is on the minus strand). VCF-style: chr15-48465631-C-T. GRCh37 (hg19) VCF-style: chr15-48757828-C-T.
Other names: c.4879G>A, p.Gly1627Arg (NM_001406716.1); short protein forms G1627R.
Identifiers: ClinVar variation 5009089 (VCV005009089.1).

ClinVar aggregate classification (germline): Uncertain significance (1 of 4 stars; one submission).

Submission:

GeneDx
Classification: Uncertain significance. Last evaluated: 2026-03-12. Review status: criteria provided, single submitter. Criteria: GeneDx Variant Classification Process June 2021. Collection method: clinical testing. Allele origin: germline.
Comment: Not observed at significant frequency in large population cohorts (gnomAD); In silico analysis supports that this missense variant has a deleterious effect on protein structure/function; Has not been previously published as pathogenic or benign to our knowledge; Does not affect a cysteine or calcium-binding residue within an EGF-like domain or a TGF-binding protein domain of the FBN1 gene; cysteine substitutions in the EGF-like domains represent the majority of pathogenic missense changes associated with FBN1-related disorders (PMID: 12938084); This variant is associated with the following publications: (PMID: 12938084)